The following is an entry in ClinVar:

ClinVar aggregate classification (germline): Uncertain significance (1 of 4 stars; one submission).

Conditions:
COG7 congenital disorder of glycosylation (CDG2E). Also called: CONGENITAL DISORDER OF GLYCOSYLATION, TYPE IIe; CDG IIe. Identifiers: Orphanet 79333, MedGen C2931010, MONDO:0012118, OMIM 608779.

Allele frequency attached by ClinVar (database versions not stated): gnomAD exomes below 0.00001; TOPMed below 0.00001; ExAC 0.00002.
gnomAD v4.1: 2 of 1,613,816 alleles (0.00012%); highest among the groups gnomAD compares: Admixed American, 0.0033%; no homozygotes.

Submission:

Labcorp Genetics (formerly Invitae), Labcorp
Classification: Uncertain significance for COG7 congenital disorder of glycosylation. Last evaluated: 2023-06-29. Review status: criteria provided, single submitter. Criteria: Invitae Variant Classification Sherloc (09022015). Collection method: clinical testing. Allele origin: germline.
Comment: In summary, the available evidence is currently insufficient to determine the role of this variant in disease. Therefore, it has been classified as a Variant of Uncertain Significance. Variants that disrupt the consensus splice site are a relatively common cause of aberrant splicing (PMID: 17576681, 9536098). Algorithms developed to predict the effect of sequence changes on RNA splicing suggest that this variant is not likely to affect RNA splicing. ClinVar contains an entry for this variant (Variation ID: 1903436). This variant has not been reported in the literature in individuals affected with COG7-related conditions. This variant is present in population databases (rs753229305, gnomAD 0.009%). This sequence change falls in intron 4 of the COG7 gene. It does not directly change the encoded amino acid sequence of the COG7 protein. It affects a nucleotide within the consensus splice site.

Literature cited by the submitters: PubMed 17576681; PubMed 9536098.

NM_153603.4(COG7):c.604+3G>A

Gene: COG7 (component of oligomeric golgi complex 7; minus strand). Cytogenetic location: 16p12.2.
Variant type: single nucleotide variant.
Coding change: c.604+3G>A on transcript NM_153603.4 (MANE Select); 3 bases into the intron after coding-DNA position 604, G replaced by A.
Molecular consequence: intron variant.
Genome position (GRCh38, 1-based): chr16:23,442,474, C>T on the plus strand (G>A on the coding strand, the complement: COG7 is on the minus strand). VCF-style: chr16-23442474-C-T. GRCh37 (hg19) VCF-style: chr16-23453795-C-T.
Identifiers: ClinVar variation 1903436 (VCV001903436.5), dbSNP rs753229305, ClinGen allele CA7961266.